The following is an entry in ClinVar:

NM_000719.7(CACNA1C):c.5636T>G (p.Ile1879Ser)

Genes: CACNA1C (calcium voltage-gated channel subunit alpha1 C; plus strand), CACNA1C-AS1 (CACNA1C antisense RNA 1; minus strand). Cytogenetic location: 12p13.33.
Variant type: single nucleotide variant.
Coding change: c.5636T>G on transcript NM_000719.7 (MANE Select); coding-DNA position 5636, T replaced by G.
Protein change: p.Ile1879Ser; replaces isoleucine 1879 with serine.
Molecular consequence: missense variant.
Genome position (GRCh38, 1-based): chr12:2,685,798, T>G. VCF-style: chr12-2685798-T-G. GRCh37 (hg19) VCF-style: chr12-2794964-T-G.
Other names: c.5780T>G, p.Ile1927Ser (NM_001129827.2); c.5759T>G, p.Ile1920Ser (NM_001129829.2); c.5741T>G, p.Ile1914Ser (NM_001129830.3, NM_001167624.3); c.5720T>G, p.Ile1907Ser (NM_001129831.2); c.5696T>G, p.Ile1899Ser (NM_001129832.2); c.5693T>G, p.Ile1898Ser (NM_001129833.2, NM_001129834.2, NM_001129835.2); c.5687T>G, p.Ile1896Ser (NM_001129836.2); c.5660T>G, p.Ile1887Ser (NM_001129837.2, NM_001129838.2); and 6 more; short protein forms I1868S, I1879S, I1896S, I1914S, I1939S, I1876S, I1885S, I1887S.
Identifiers: ClinVar variation 936972 (VCV000936972.10), dbSNP rs2097428184, ClinGen allele CA383382130.

ClinVar aggregate classification (germline): Uncertain significance (1 of 4 stars; one submission).

Conditions:
Long QT syndrome (LQTS). Identifiers: MedGen C0023976, MeSH D008133, MONDO:0002442. Disease mechanism: loss of function. Inheritance: Various modes of inheritance.

Submission:

Labcorp Genetics (formerly Invitae), Labcorp
Classification: Uncertain significance for Long QT syndrome. Last evaluated: 2019-10-10. Review status: criteria provided, single submitter. Criteria: Invitae Variant Classification Sherloc (09022015). Collection method: clinical testing. Allele origin: germline.
Comment: This sequence change replaces isoleucine with serine at codon 1879 of the CACNA1C protein (p.Ile1879Ser). The isoleucine residue is weakly conserved and there is a large physicochemical difference between isoleucine and serine. In summary, the available evidence is currently insufficient to determine the role of this variant in disease. Therefore, it has been classified as a Variant of Uncertain Significance. Algorithms developed to predict the effect of missense changes on protein structure and function (SIFT, PolyPhen-2, Align-GVGD) all suggest that this variant is likely to be tolerated, but these predictions have not been confirmed by published functional studies and their clinical significance is uncertain. This variant has not been reported in the literature in individuals with CACNA1C-related conditions. This variant is not present in population databases (ExAC no frequency).